The following is an entry in ClinVar:

NM_015909.4(NBAS):c.1786G>A (p.Val596Met)

Gene: NBAS (NBAS subunit of NRZ tethering complex; minus strand). Cytogenetic location: 2p24.3.
Variant type: single nucleotide variant.
Coding change: c.1786G>A on transcript NM_015909.4 (MANE Select); coding-DNA position 1786, G replaced by A.
Protein change: p.Val596Met; replaces valine 596 with methionine.
Molecular consequence: missense variant. On other transcripts: non-coding transcript variant (1).
Genome position (GRCh38, 1-based): chr2:15,468,473, C>T on the plus strand (G>A on the coding strand, the complement: NBAS is on the minus strand). VCF-style: chr2-15468473-C-T. GRCh37 (hg19) VCF-style: chr2-15608597-C-T.
Other names: c.1786G>A (NM_015909.2); short protein forms V596M.
Identifiers: ClinVar variation 1199778 (VCV001199778.10), dbSNP rs920633717, ClinGen allele CA42625158.

ClinVar aggregate classification (germline): Uncertain significance. Review status: criteria provided, multiple submitters, no conflicts (2 of 4 stars). 3 submissions from 3 submitters: Uncertain significance (3). Last evaluated 2024-04-01.

Conditions:
Inborn genetic diseases. Identifiers: MedGen C0950123, MeSH D030342.

Allele frequency attached by ClinVar (database versions not stated): gnomAD exomes below 0.00001 and 0.00001; gnomAD 0.00001.
gnomAD v4.1: 21 of 1,613,958 alleles (0.0013%); highest among the groups gnomAD compares: Middle Eastern, 0.21%; no homozygotes.

Submissions (3):

Ambry Genetics
Classification: Uncertain significance for Inborn genetic diseases. Last evaluated: 2024-04-01. Review status: criteria provided, single submitter. Criteria: Ambry Variant Classification Scheme 2023. Collection method: clinical testing. Allele origin: germline.

Labcorp Genetics (formerly Invitae), Labcorp
Classification: Uncertain significance. Last evaluated: 2022-09-07. Review status: criteria provided, single submitter. Criteria: Invitae Variant Classification Sherloc (09022015). Collection method: clinical testing. Allele origin: germline.
Comment: This sequence change replaces valine, which is neutral and non-polar, with methionine, which is neutral and non-polar, at codon 596 of the NBAS protein (p.Val596Met). This variant is present in population databases (no rsID available, gnomAD 0.003%). This variant has not been reported in the literature in individuals affected with NBAS-related conditions. ClinVar contains an entry for this variant (Variation ID: 1199778). Algorithms developed to predict the effect of missense changes on protein structure and function are either unavailable or do not agree on the potential impact of this missense change (SIFT: "Deleterious"; PolyPhen-2: "Probably Damaging"; Align-GVGD: "Class C15"). In summary, the available evidence is currently insufficient to determine the role of this variant in disease. Therefore, it has been classified as a Variant of Uncertain Significance.

GeneDx
Classification: Uncertain significance. Last evaluated: 2021-03-29. Review status: criteria provided, single submitter. Criteria: GeneDx Variant Classification Process June 2021. Collection method: clinical testing. Allele origin: germline. Affected: yes.
Comment: Not observed at a significant frequency in large population cohorts (Lek et al., 2016); In silico analysis, which includes protein predictors and evolutionary conservation, supports that this variant does not alter protein structure/function; Has not been previously published as pathogenic or benign to our knowledge